The following is an entry in ClinVar:

NM_001348716.2(KDM6B):c.4120A>T (p.Asn1374Tyr)

Genes: KDM6B (lysine demethylase 6B; plus strand), LOC121587574 (Sharpr-MPRA regulatory region 3930; plus strand). Cytogenetic location: 17p13.1.
Variant type: single nucleotide variant.
Coding change: c.4120A>T on transcript NM_001348716.2 (MANE Select); coding-DNA position 4120, A replaced by T.
Protein change: p.Asn1374Tyr; replaces asparagine 1374 with tyrosine.
Molecular consequence: missense variant.
Genome position (GRCh38, 1-based): chr17:7,851,751, A>T. VCF-style: chr17-7851751-A-T. GRCh37 (hg19) VCF-style: chr17-7755069-A-T.
Other names: c.4120A>T, p.Asn1374Tyr (NM_001080424.2); short protein forms N1374Y.
Identifiers: ClinVar variation 3363366 (VCV003363366.1).

ClinVar aggregate classification (germline): Uncertain significance (1 of 4 stars; one submission).

Submission:

GeneDx
Classification: Uncertain significance. Last evaluated: 2023-10-23. Review status: criteria provided, single submitter. Criteria: GeneDx Variant Classification Process June 2021. Collection method: clinical testing. Allele origin: germline. Affected: yes.
Comment: Not observed at significant frequency in large population cohorts (gnomAD); In silico analysis supports that this missense variant has a deleterious effect on protein structure/function; Has not been previously published as pathogenic or benign to our knowledge